The following is an entry in ClinVar:

ClinVar aggregate classification (germline): Conflicting classifications of pathogenicity. Review status: criteria provided, conflicting classifications (1 of 4 stars). 2 submissions from 2 submitters: Uncertain significance (1); Likely benign (1). Last evaluated 2023-03-23.

Conditions:
Hereditary breast ovarian cancer syndrome. Also called: Breast and ovarian cancer; Hereditary breast and ovarian cancer; Hereditary breast and/or ovarian cancer syndrome; BRCA1- and BRCA2-Associated Hereditary Breast and Ovarian Cancer; Hereditary breast and ovarian cancer syndrome; Hereditary breast and ovarian cancer syndrome (HBOC). Identifiers: Orphanet 145, MedGen C0677776, MeSH D061325, MONDO:0003582. Disease mechanism: loss of function.
Hereditary cancer-predisposing syndrome. Also called: Tumor predisposition; Hereditary neoplastic syndrome; Neoplastic Syndromes, Hereditary; Hereditary Cancer Syndrome. Identifiers: Orphanet 140162, MedGen C0027672, MeSH D009386, MONDO:0015356.

Submissions (2):

University of Washington Department of Laboratory Medicine, University of Washington
Classification: Likely benign for Hereditary cancer-predisposing syndrome. Last evaluated: 2023-03-23. Review status: criteria provided, single submitter. Criteria: Dines et al. (Genet Med. 2020). Collection method: curation. Allele origin: germline.
Comment: Missense variant in a coldspot region where missense variants are very unlikely to be pathogenic (PMID:31911673).

BRCA2 exon 10 coldspot. Reclassification based on statistical prior probability.

Labcorp Genetics (formerly Invitae), Labcorp
Classification: Uncertain significance for Hereditary breast ovarian cancer syndrome. Last evaluated: 2019-02-02. Review status: criteria provided, single submitter. Criteria: Invitae Variant Classification Sherloc (09022015). Collection method: clinical testing. Allele origin: germline.
Comment: This variant is not present in population databases (ExAC no frequency). This sequence change replaces alanine with glutamic acid at codon 336 of the BRCA2 protein (p.Ala336Glu). The alanine residue is weakly conserved and there is a moderate physicochemical difference between alanine and glutamic acid. Algorithms developed to predict the effect of missense changes on protein structure and function (SIFT, PolyPhen-2, Align-GVGD) all suggest that this variant is likely to be tolerated, but these predictions have not been confirmed by published functional studies and their clinical significance is uncertain. In summary, the available evidence is currently insufficient to determine the role of this variant in disease. Therefore, it has been classified as a Variant of Uncertain Significance. This variant has not been reported in the literature in individuals with BRCA2-related conditions.

NM_000059.4(BRCA2):c.1007C>A (p.Ala336Glu)

Gene: BRCA2 (BRCA2 DNA repair associated; plus strand). Cytogenetic location: 13q13.1.
Variant type: single nucleotide variant.
Coding change: c.1007C>A on transcript NM_000059.4 (MANE Select); coding-DNA position 1007, C replaced by A.
Protein change: p.Ala336Glu; replaces alanine 336 with glutamic acid.
Molecular consequence: missense variant.
Genome position (GRCh38, 1-based): chr13:32,332,485, C>A. VCF-style: chr13-32332485-C-A. GRCh37 (hg19) VCF-style: chr13-32906622-C-A.
Other names: short protein forms A336E.
Identifiers: ClinVar variation 844695 (VCV000844695.11), dbSNP rs2072402481, ClinGen allele CA387761079.